The following is an entry in ClinVar:

NM_021008.4(DEAF1):c.226A>T (p.Met76Leu)

Gene: DEAF1 (DEAF1 transcription factor; minus strand). Cytogenetic location: 11p15.5.
Variant type: single nucleotide variant.
Coding change: c.226A>T on transcript NM_021008.4 (MANE Select); coding-DNA position 226, A replaced by T.
Protein change: p.Met76Leu; replaces methionine 76 with leucine.
Molecular consequence: missense variant. On other transcripts: 5 prime UTR variant (3), intron variant (1).
Genome position (GRCh38, 1-based): chr11:694,822, T>A on the plus strand (A>T on the coding strand, the complement: DEAF1 is on the minus strand). VCF-style: chr11-694822-T-A. GRCh37 (hg19) VCF-style: chr11-694822-T-A.
Other names: c.226A>T, p.Met76Leu (NM_001293634.2, NM_001440883.1, NM_001440884.1); c.-371A>T (NM_001440885.1); c.-1771A>T (NM_001440886.1); c.-581A>T (NM_001440887.1); c.-437-3224A>T (NM_001367390.1); short protein forms M76L.
Identifiers: ClinVar variation 4540248 (VCV004540248.1).

ClinVar aggregate classification (germline): Uncertain significance (1 of 4 stars; one submission).

gnomAD v4.1: 22 of 1,447,034 alleles (0.0015%); highest among the groups gnomAD compares: Non-Finnish European, 0.002%; no homozygotes.

Submission:

GeneDx
Classification: Uncertain significance. Last evaluated: 2025-06-25. Review status: criteria provided, single submitter. Criteria: GeneDx Variant Classification Process June 2021. Collection method: clinical testing. Allele origin: germline. Affected: yes.
Comment: In silico analysis suggests that this missense variant does not alter protein structure/function; Has not been previously published as pathogenic or benign to our knowledge